The following is an entry in ClinVar:

NM_003482.4(KMT2D):c.1342C>A (p.Pro448Thr)

Gene: KMT2D (lysine methyltransferase 2D; minus strand). Cytogenetic location: 12q13.12.
Variant type: single nucleotide variant.
Coding change: c.1342C>A on transcript NM_003482.4 (MANE Select); coding-DNA position 1342, C replaced by A.
Protein change: p.Pro448Thr; replaces proline 448 with threonine.
Molecular consequence: missense variant.
Genome position (GRCh38, 1-based): chr12:49,052,341, G>T on the plus strand (C>A on the coding strand, the complement: KMT2D is on the minus strand). VCF-style: chr12-49052341-G-T. GRCh37 (hg19) VCF-style: chr12-49446124-G-T.
Other names: short protein forms P448T.
Identifiers: ClinVar variation 447665 (VCV000447665.5), dbSNP rs914611484, ClinGen allele CA236621285.
Genomic context (GRCh38, chr12:49,052,341, plus strand): 5'-ACAGGCGTGATGCCTCAGGTGGTGGGGACGTGGGTGATTCCTCAGGTGGTGGGGACAGGG[G>T]TGACTCCTCAGGTGGGGGCAGCAGTGGCATCTCCTCGTTTAGGGGGGCCTCCAACTGGGG-3'
Protein context (NP_003473.3, residues 438-458): MPLLPPPEES[Pro448Thr]LSPPPEESPT

ClinVar aggregate classification (germline): Uncertain significance. Review status: criteria provided, multiple submitters, no conflicts (2 of 4 stars). 3 submissions from 3 submitters: Uncertain significance (3). Last evaluated 2025-11-05.

Conditions:
Inborn genetic diseases. Identifiers: MedGen C0950123, MeSH D030342.
Kabuki syndrome. Also called: Kabuki make-up syndrome; NIIKAWA-KUROKI SYNDROME. Identifiers: Orphanet 2322, MedGen C0796004, MONDO:0016512.

Allele frequency attached by ClinVar (database versions not stated): gnomAD exomes below 0.00001.
gnomAD v4.1: 2 of 1,564,258 alleles (0.00013%); highest among the groups gnomAD compares: Non-Finnish European, 0.00017%; no homozygotes.

Submissions (3):

Ambry Genetics
Classification: Uncertain significance for Inborn genetic diseases. Last evaluated: 2025-11-05. Review status: criteria provided, single submitter. Criteria: Ambry Variant Classification Scheme 2023. Collection method: clinical testing. Allele origin: germline.

Labcorp Genetics (formerly Invitae), Labcorp
Classification: Uncertain significance for Kabuki syndrome. Last evaluated: 2024-07-16. Review status: criteria provided, single submitter. Criteria: Invitae Variant Classification Sherloc (09022015). Collection method: clinical testing. Allele origin: germline.
Comment: This sequence change replaces proline, which is neutral and non-polar, with threonine, which is neutral and polar, at codon 448 of the KMT2D protein (p.Pro448Thr). This variant is not present in population databases (gnomAD no frequency). This variant has not been reported in the literature in individuals affected with KMT2D-related conditions. ClinVar contains an entry for this variant (Variation ID: 447665). Advanced modeling of protein sequence and biophysical properties (such as structural, functional, and spatial information, amino acid conservation, physicochemical variation, residue mobility, and thermodynamic stability) performed at Invitae indicates that this missense variant is not expected to disrupt KMT2D protein function with a negative predictive value of 95%. In summary, the available evidence is currently insufficient to determine the role of this variant in disease. Therefore, it has been classified as a Variant of Uncertain Significance.

Athena Diagnostics
Classification: Uncertain significance. Last evaluated: 2017-01-23. Review status: criteria provided, single submitter. Criteria: Athena Diagnostics Criteria. Collection method: clinical testing. Allele origin: germline.